The following is an entry in ClinVar:

ClinVar aggregate classification (germline): Pathogenic/Likely pathogenic. Review status: criteria provided, multiple submitters, no conflicts (2 of 4 stars). 2 submissions from 2 submitters: Pathogenic (1); Likely pathogenic (1). Last evaluated 2024-03-01.

Conditions:
Developmental and epileptic encephalopathy, 9 (DEE9). Also called: Early infantile epileptic encephalopathy 9; EPILEPSY, FEMALE-RESTRICTED, WITH MENTAL RETARDATION; PCDH19-Related X-Linked Female-Limited Epilepsy with Mental Retardation; JUBERG-HELLMAN SYNDROME. Identifiers: Orphanet 101039, Orphanet 2076, MedGen C1848137, MONDO:0010246, OMIM 300088. Disease mechanism: loss of function.

Submissions (2):

Labcorp Genetics (formerly Invitae), Labcorp
Classification: Pathogenic for Developmental and epileptic encephalopathy, 9. Last evaluated: 2024-03-01. Review status: criteria provided, single submitter. Criteria: Invitae Variant Classification Sherloc (09022015). Collection method: clinical testing. Allele origin: germline.
Comment: This sequence change creates a premature translational stop signal (p.Pro561Argfs*8) in the PCDH19 gene. It is expected to result in an absent or disrupted protein product. Loss-of-function variants in PCDH19 are known to be pathogenic (PMID: 21053371). This variant is not present in population databases (gnomAD no frequency). This variant has not been reported in the literature in individuals affected with PCDH19-related conditions. ClinVar contains an entry for this variant (Variation ID: 637972). For these reasons, this variant has been classified as Pathogenic.

MVZ Martinsried, Medicover Genetics
Classification: Likely pathogenic for Developmental and epileptic encephalopathy, 9. Last evaluated: 2019-01-11. Review status: criteria provided, single submitter. Criteria: ACMG Guidelines, 2015. Collection method: clinical testing. Allele origin: unknown. Affected: yes.

Literature cited by the submitters: PubMed 21053371 (cited by Labcorp Genetics (formerly Invitae), Labcorp).

NM_001184880.2(PCDH19):c.1682del (p.Pro561fs)

Gene: PCDH19 (protocadherin 19; minus strand). Cytogenetic location: Xq22.1.
Variant type: Deletion.
Coding change: c.1682del on transcript NM_001184880.2 (MANE Select); coding-DNA position 1682, one base deleted (C; older notation c.1682delC).
Protein change: p.Pro561fs; shifts the reading frame from proline 561.
Molecular consequence: frameshift variant.
Genome position (GRCh38, 1-based): chrX:100,406,916, G deleted on the plus strand (C on the coding strand, the reverse complement: PCDH19 is on the minus strand); the first of 4 consecutive G bases (chrX:100,406,916-100,406,919); deleting any one gives the same sequence. VCF-style (leftmost placement, unchanged base first): chrX-100406915-CG-C. GRCh37 (hg19) VCF-style: chrX-99661913-CG-C.
Other names: c.1682delC (NM_001184880.1); c.1682del, p.Pro561fs (NM_001105243.2, NM_020766.3); short protein forms P561fs.
Identifiers: ClinVar variation 637972 (VCV000637972.3), dbSNP rs1602635656, ClinGen allele CA915951268.